The following is an entry in ClinVar:

NM_052859.4(RFT1):c.658A>G (p.Arg220Gly)

Gene: RFT1 (RFT1 glycolipid translocator homolog; minus strand). Cytogenetic location: 3p21.1.
Variant type: single nucleotide variant.
Coding change: c.658A>G on transcript NM_052859.4 (MANE Select); coding-DNA position 658, A replaced by G.
Protein change: p.Arg220Gly; replaces arginine 220 with glycine.
Molecular consequence: missense variant.
Genome position (GRCh38, 1-based): chr3:53,119,922, T>C on the plus strand (A>G on the coding strand, the complement: RFT1 is on the minus strand). VCF-style: chr3-53119922-T-C. GRCh37 (hg19) VCF-style: chr3-53153938-T-C.
Other names: short protein forms R220G.
Identifiers: ClinVar variation 2110002 (VCV002110002.4), dbSNP rs2470998807, ClinGen allele CA353220365.

ClinVar aggregate classification (germline): Uncertain significance (1 of 4 stars; one submission).

Conditions:
RFT1-congenital disorder of glycosylation (CDG1N). Also called: Congenital disorder of glycosylation type In; CDG In; RFT1-CDG. Identifiers: Orphanet 244310, MedGen C2677590, MONDO:0012783, OMIM 612015.

Submission:

Labcorp Genetics (formerly Invitae), Labcorp
Classification: Uncertain significance for RFT1-congenital disorder of glycosylation. Last evaluated: 2024-11-11. Review status: criteria provided, single submitter. Criteria: Invitae Variant Classification Sherloc (09022015). Collection method: clinical testing. Allele origin: germline.
Comment: This sequence change replaces arginine, which is basic and polar, with glycine, which is neutral and non-polar, at codon 220 of the RFT1 protein (p.Arg220Gly). This variant is not present in population databases (gnomAD no frequency). This variant has not been reported in the literature in individuals affected with RFT1-related conditions. ClinVar contains an entry for this variant (Variation ID: 2110002). Invitae Evidence Modeling of protein sequence and biophysical properties (such as structural, functional, and spatial information, amino acid conservation, physicochemical variation, residue mobility, and thermodynamic stability) indicates that this missense variant is not expected to disrupt RFT1 protein function with a negative predictive value of 80%. In summary, the available evidence is currently insufficient to determine the role of this variant in disease. Therefore, it has been classified as a Variant of Uncertain Significance.